The following is an entry in ClinVar:

NM_000066.4(C8B):c.1717C>T (p.Pro573Ser)

Gene: C8B (complement C8 beta chain; minus strand). Cytogenetic location: 1p32.2.
Variant type: single nucleotide variant.
Coding change: c.1717C>T on transcript NM_000066.4 (MANE Select); coding-DNA position 1717, C replaced by T.
Protein change: p.Pro573Ser; replaces proline 573 with serine.
Molecular consequence: missense variant.
Genome position (GRCh38, 1-based): chr1:56,929,463, G>A on the plus strand (C>T on the coding strand, the complement: C8B is on the minus strand). VCF-style: chr1-56929463-G-A. GRCh37 (hg19) VCF-style: chr1-57395136-G-A.
Other names: c.1561C>T, p.Pro521Ser (NM_001278543.2); c.1531C>T, p.Pro511Ser (NM_001278544.2); short protein forms P511S, P573S, P521S.
Identifiers: ClinVar variation 2012461 (VCV002012461.4), dbSNP rs1644663610, ClinGen allele CA340518926.

ClinVar aggregate classification (germline): Uncertain significance (1 of 4 stars; one submission).

Allele frequency attached by ClinVar (database versions not stated): TOPMed below 0.00001.

Submission:

Labcorp Genetics (formerly Invitae), Labcorp
Classification: Uncertain significance. Last evaluated: 2024-12-03. Review status: criteria provided, single submitter. Criteria: Invitae Variant Classification Sherloc (09022015). Collection method: clinical testing. Allele origin: germline.
Comment: This sequence change replaces proline, which is neutral and non-polar, with serine, which is neutral and polar, at codon 573 of the C8B protein (p.Pro573Ser). This variant is not present in population databases (gnomAD no frequency). This variant has not been reported in the literature in individuals affected with C8B-related conditions. ClinVar contains an entry for this variant (Variation ID: 2012461). An algorithm developed to predict the effect of missense changes on protein structure and function (PolyPhen-2) suggests that this variant is likely to be disruptive. In summary, the available evidence is currently insufficient to determine the role of this variant in disease. Therefore, it has been classified as a Variant of Uncertain Significance.